The following is an entry in ClinVar:

NM_007294.4(BRCA1):c.1434del (p.Glu479fs)

Gene: BRCA1 (BRCA1 DNA repair associated; minus strand). Cytogenetic location: 17q21.31.
Variant type: Deletion.
Coding change: c.1434del on transcript NM_007294.4 (MANE Select); coding-DNA position 1434, one base deleted (T; older notation c.1434delT).
Protein change: p.Glu479fs; shifts the reading frame from glutamic acid 479.
Molecular consequence: frameshift variant. On other transcripts: intron variant (137).
Genome position (GRCh38, 1-based): chr17:43,094,097, A deleted on the plus strand (T on the coding strand, the reverse complement: BRCA1 is on the minus strand). VCF-style (leftmost placement, unchanged base first): chr17-43094096-CA-C. GRCh37 (hg19) VCF-style: chr17-41246113-CA-C.
Other names: 1553delT; c.1224del, p.Glu409fs (NM_001407882.1, NM_001407884.1, NM_001407885.1 and 13 more transcripts); c.1221del, p.Glu408fs (NM_001407894.1, NM_001407895.1, NM_001407896.1 and 9 more transcripts); c.1311del, p.Glu438fs (NM_001407919.1, NM_001407937.1, NM_001407938.1 and 19 more transcripts); c.1170del, p.Glu391fs (NM_001407920.1, NM_001407921.1, NM_001407922.1 and 9 more transcripts); c.1167del, p.Glu390fs (NM_001407930.1, NM_001407931.1, NM_001407932.1 and 2 more transcripts); c.1308del, p.Glu437fs (NM_001407940.1, NM_001407941.1, NM_001407649.1 and 11 more transcripts); c.1293del, p.Glu432fs (NM_001407942.1, NM_001407944.1, NM_001407945.1 and 29 more transcripts); and 41 more; short protein forms E432fs, E479fs, E311fs, E352fs, E368fs, E412fs, E453fs, E478fs.
Identifiers: ClinVar variation 96900 (VCV000096900.10), dbSNP rs431825386, ClinGen allele CA000960.
Genomic context (GRCh38, chr17:43,094,096, plus strand): 5'-TGAGGGGACGCTCTTGTATTATCTGTGGCTCAGTAACAAATGCTCCTATAATTAGATTTT[CA>C]GTTACATGGCTTAAGTTGGGGAGGCTTGCCTTCTTCCGATAGGTTTTCCCAAATATTTTG-3'

ClinVar aggregate classification (germline): Pathogenic. Review status: reviewed by expert panel (3 of 4 stars). 5 submissions from 5 submitters: Pathogenic (1). 4 of the submissions do not count toward it. Last evaluated 2016-09-08.

Conditions:
Hereditary cancer-predisposing syndrome. Also called: Hereditary Cancer Syndrome; Neoplastic Syndromes, Hereditary; Hereditary neoplastic syndrome; Tumor predisposition. Identifiers: Orphanet 140162, MedGen C0027672, MeSH D009386, MONDO:0015356.
Breast-ovarian cancer, familial, susceptibility to, 1 (BROVCA1). Also called: BRCA1 Hereditary Breast and Ovarian Cancer; OVARIAN CANCER, SUSCEPTIBILITY TO. Identifiers: Orphanet 145, MedGen C2676676, MONDO:0011450, OMIM 604370. Disease mechanism: loss of function.
Hereditary breast ovarian cancer syndrome. Also called: Hereditary breast and/or ovarian cancer syndrome; Hereditary breast and ovarian cancer syndrome; Hereditary breast and ovarian cancer; Hereditary breast and ovarian cancer syndrome (HBOC); Breast and ovarian cancer; BRCA1- and BRCA2-Associated Hereditary Breast and Ovarian Cancer. Identifiers: Orphanet 145, MedGen C0677776, MeSH D061325, MONDO:0003582. Disease mechanism: loss of function.

Submissions (5):

Evidence-based Network for the Interpretation of Germline Mutant Alleles (ENIGMA)
Classification: Pathogenic for Breast-ovarian cancer, familial, susceptibility to, 1. Last evaluated: 2016-09-08. Review status: reviewed by expert panel. Criteria: ENIGMA BRCA1/2 Classification Criteria (2015). Collection method: curation. Allele origin: germline.
Comment: Variant allele predicted to encode a truncated non-functional protein.

Labcorp Genetics (formerly Invitae), Labcorp
Classification: Pathogenic for Hereditary breast ovarian cancer syndrome. Last evaluated: 2024-05-08. Review status: criteria provided, single submitter. Criteria: Invitae Variant Classification Sherloc (09022015). Collection method: clinical testing. Allele origin: germline. Not counted in ClinVar's aggregate classification.
Comment: This sequence change creates a premature translational stop signal (p.Glu479Lysfs*3) in the BRCA1 gene. It is expected to result in an absent or disrupted protein product. Loss-of-function variants in BRCA1 are known to be pathogenic (PMID: 20104584). This variant is not present in population databases (gnomAD no frequency). This variant has not been reported in the literature in individuals affected with BRCA1-related conditions. ClinVar contains an entry for this variant (Variation ID: 96900). For these reasons, this variant has been classified as Pathogenic.

Ambry Genetics
Classification: Pathogenic for Hereditary cancer-predisposing syndrome. Last evaluated: 2018-01-31. Review status: criteria provided, single submitter. Criteria: Ambry Variant Classification Scheme 2023. Collection method: clinical testing. Allele origin: germline. Not counted in ClinVar's aggregate classification.
Comment: The c.1434delT pathogenic mutation, located in coding exon 9 of the BRCA1 gene, results from a deletion of one nucleotide at nucleotide position 1434, causing a translational frameshift with a predicted alternate stop codon (p.E479Kfs*3). This alteration is expected to result in loss of function by premature protein truncation or nonsense-mediated mRNA decay. As such, this alteration is interpreted as a disease-causing mutation.

Quest Diagnostics Nichols Institute San Juan Capistrano
Classification: Pathogenic for Breast-ovarian cancer, familial, susceptibility to, 1. Last evaluated: 2015-03-02. Review status: criteria provided, single submitter. Criteria: Quest Diagnostics criteria. Collection method: clinical testing. Allele origin: germline. Inheritance: Autosomal dominant inheritance. Not counted in ClinVar's aggregate classification.

Sharing Clinical Reports Project (SCRP)
Classification: Pathogenic for Breast-ovarian cancer, familial 1. Last evaluated: 2009-02-06. Review status: no assertion criteria provided. Collection method: clinical testing. Allele origin: germline. Not counted in ClinVar's aggregate classification.

Literature cited by the submitters: PubMed 20104584 (cited by Labcorp Genetics (formerly Invitae), Labcorp); PubMed 26295337 (cited by Quest Diagnostics Nichols Institute San Juan Capistrano).